The following is an entry in ClinVar:

NM_172107.4(KCNQ2):c.2132del (p.Gln711fs)

Gene: KCNQ2 (potassium voltage-gated channel subfamily Q member 2; minus strand). Cytogenetic location: 20q13.33.
Variant type: Deletion.
Coding change: c.2132del on transcript NM_172107.4 (MANE Select); coding-DNA position 2132, one base deleted (A; older notation c.2132delA).
Protein change: p.Gln711fs; shifts the reading frame from glutamine 711.
Molecular consequence: frameshift variant.
Genome position (GRCh38, 1-based): chr20:63,407,131, T deleted on the plus strand (A on the coding strand, the reverse complement: KCNQ2 is on the minus strand). VCF-style (leftmost placement, unchanged base first): chr20-63407130-CT-C. GRCh37 (hg19) VCF-style: chr20-62038483-CT-C.
Other names: c.2186del, p.Gln729fs (NM_001382235.1); c.2048del, p.Gln683fs (NM_004518.6); c.2078del, p.Gln693fs (NM_172106.3); c.2039del, p.Gln680fs (NM_172108.5); short protein forms Q680fs, Q683fs, Q693fs, Q711fs, Q729fs.
Identifiers: ClinVar variation 3775667 (VCV003775667.1).

ClinVar aggregate classification (germline): Likely pathogenic (1 of 4 stars; one submission).

Conditions:
Developmental and epileptic encephalopathy, 7 (DEE7). Also called: KCNQ2-Related Neonatal-Onset Developmental and Epileptic Encephalopathy (NEO-DEE); KCNQ2-Related Neonatal Epileptic Encephalopathy; Early infantile epileptic encephalopathy 7. Identifiers: Orphanet 439218, MedGen C3150986, MONDO:0013387, OMIM 613720.

Submission:

3billion
Classification: Likely pathogenic for Developmental and epileptic encephalopathy, 7. Last evaluated: 2023-06-21. Review status: criteria provided, single submitter. Criteria: ACMG Guidelines, 2015. Collection method: clinical testing. Allele origin: germline. Affected: yes.
Comment: The variant is not observed in the gnomAD v2.1.1 dataset. Predicted Consequence/Location: Frameshift: predicted to result in a loss or disruption of normal protein function through protein truncation. The predicted truncated protein may be shortened by more than 10%. Therefore, this variant is classified as Likely pathogenic according to the recommendation of ACMG/AMP guideline.